The following is an entry in ClinVar:

NM_004006.3(DMD):c.2176del (p.Val726fs)

Gene: DMD (dystrophin; minus strand). Cytogenetic location: Xp21.1.
Variant type: Deletion.
Coding change: c.2176del on transcript NM_004006.3 (MANE Select); coding-DNA position 2176, one base deleted (G; older notation c.2176delG).
Protein change: p.Val726fs; shifts the reading frame from valine 726.
Molecular consequence: frameshift variant.
Genome position (GRCh38, 1-based): chrX:32,518,124, C deleted on the plus strand (G on the coding strand, the reverse complement: DMD is on the minus strand). VCF-style (leftmost placement, unchanged base first): chrX-32518123-AC-A. GRCh37 (hg19) VCF-style: chrX-32536240-AC-A.
Other names: c.2152del, p.Val718fs (NM_000109.4); c.2164del, p.Val722fs (NM_004009.3); c.1807del, p.Val603fs (NM_004010.3); short protein forms V603fs, V726fs, V718fs, V722fs.
Identifiers: ClinVar variation 4731272 (VCV004731272.1).
Genomic context (GRCh38, chrX:32,518,123, plus strand): 5'-TCAGGACTCTGCAACACAGCTTCTGAGCGAGTAATCCAGCTGTGAAGTTCAGTTATATCA[AC>A]ATCCAACCTAAGACAGCAAAAAATAAAAGTCATTATTTCTTGATTATCTCTTTCTTCTAT-3'

ClinVar aggregate classification (germline): Pathogenic (1 of 4 stars; one submission).

Conditions:
Duchenne muscular dystrophy (DMD). Also called: MUSCULAR DYSTROPHY, PSEUDOHYPERTROPHIC PROGRESSIVE, DUCHENNE TYPE; Duchenne Muscular Dystrophy (DMD). Identifiers: Orphanet 98896, MedGen C0013264, MONDO:0010679, OMIM 310200.

Submission:

Labcorp Genetics (formerly Invitae), Labcorp
Classification: Pathogenic for Duchenne muscular dystrophy. Last evaluated: 2025-11-16. Review status: criteria provided, single submitter. Criteria: Invitae Variant Classification Sherloc (09022015). Collection method: clinical testing. Allele origin: germline.
Comment: This sequence change creates a premature translational stop signal (p.Val726Leufs*3) in the DMD gene. It is expected to result in an absent or disrupted protein product. Loss-of-function variants in DMD are known to be pathogenic (PMID: 16770791, 25007885). This variant is not present in population databases (gnomAD no frequency). This variant has not been reported in the literature in individuals affected with DMD-related conditions. For these reasons, this variant has been classified as Pathogenic.

Literature cited by the submitters: PubMed 16770791; PubMed 25007885.